The following is an entry in ClinVar:

ClinVar aggregate classification (germline): Uncertain significance (1 of 4 stars; one submission).

Conditions:
Charcot-Marie-Tooth disease type 2. Also called: Charcot-Marie-Tooth type 2. Identifiers: Orphanet 64746, MedGen C0270914, MONDO:0018993.

Submission:

Labcorp Genetics (formerly Invitae), Labcorp
Classification: Uncertain significance for Charcot-Marie-Tooth disease type 2. Last evaluated: 2021-12-13. Review status: criteria provided, single submitter. Criteria: Invitae Variant Classification Sherloc (09022015). Collection method: clinical testing. Allele origin: germline.
Comment: This variant is not present in population databases (gnomAD no frequency). This sequence change replaces threonine, which is neutral and polar, with isoleucine, which is neutral and non-polar, at codon 1629 of the KIF1B protein (p.Thr1629Ile). This variant has not been reported in the literature in individuals affected with KIF1B-related conditions. Algorithms developed to predict the effect of missense changes on protein structure and function (SIFT, PolyPhen-2, Align-GVGD) all suggest that this variant is likely to be tolerated. In summary, the available evidence is currently insufficient to determine the role of this variant in disease. Therefore, it has been classified as a Variant of Uncertain Significance.

NM_001365951.3(KIF1B):c.5024C>T (p.Thr1675Ile)

Gene: KIF1B (kinesin family member 1B; plus strand). Cytogenetic location: 1p36.22.
Variant type: single nucleotide variant.
Coding change: c.5024C>T on transcript NM_001365951.3 (MANE Select); coding-DNA position 5024, C replaced by T.
Protein change: p.Thr1675Ile; replaces threonine 1675 with isoleucine.
Molecular consequence: missense variant.
Genome position (GRCh38, 1-based): chr1:10,374,393, C>T. VCF-style: chr1-10374393-C-T. GRCh37 (hg19) VCF-style: chr1-10434451-C-T.
Other names: c.5024C>T, p.Thr1675Ile (NM_001365952.1); c.4886C>T, p.Thr1629Ile (NM_015074.3); short protein forms T1629I, T1675I.
Identifiers: ClinVar variation 2165771 (VCV002165771.4), dbSNP rs2521977875, ClinGen allele CA338329290.